The following is an entry in ClinVar:

NM_002109.6(HARS1):c.695G>T (p.Arg232Leu)

Gene: HARS1 (histidyl-tRNA synthetase 1; minus strand). Cytogenetic location: 5q31.3.
Variant type: single nucleotide variant.
Coding change: c.695G>T on transcript NM_002109.6 (MANE Select); coding-DNA position 695, G replaced by T.
Protein change: p.Arg232Leu; replaces arginine 232 with leucine.
Molecular consequence: missense variant.
Genome position (GRCh38, 1-based): chr5:140,677,689, C>A on the plus strand (G>T on the coding strand, the complement: HARS1 is on the minus strand). VCF-style: chr5-140677689-C-A. GRCh37 (hg19) VCF-style: chr5-140057274-C-A.
Other names: c.695G>T (NM_002109.3); c.575G>T, p.Arg192Leu (NM_001258040.3); c.635G>T, p.Arg212Leu (NM_001258041.3); c.515G>T, p.Arg172Leu (NM_001258042.3); c.473G>T, p.Arg158Leu (NM_001289092.2); c.353G>T, p.Arg118Leu (NM_001289093.2); c.608G>T, p.Arg203Leu (NM_001289094.2); short protein forms R118L, R232L, R192L, R172L, R203L, R212L, R158L.
Identifiers: ClinVar variation 1944126 (VCV001944126.6), dbSNP rs550778711, ClinGen allele CA361254751.

ClinVar aggregate classification (germline): Uncertain significance. Review status: criteria provided, multiple submitters, no conflicts (2 of 4 stars). 2 submissions from 2 submitters: Uncertain significance (2). Last evaluated 2025-07-01.

Conditions:
Usher syndrome type 3B. Also called: USHER SYNDROME, TYPE IIIB. Identifiers: MedGen C3281066, MONDO:0013788, OMIM 614504.

gnomAD v4.1: 1 of 1,611,458 alleles (0.000062%); highest among the groups gnomAD compares: Admixed American, 0.0017%; no homozygotes.

Submissions (2):

Ambry Genetics
Classification: Uncertain significance. Last evaluated: 2025-07-01. Review status: criteria provided, single submitter. Criteria: Ambry Variant Classification Scheme 2023. Collection method: clinical testing. Allele origin: germline.

Labcorp Genetics (formerly Invitae), Labcorp
Classification: Uncertain significance for Usher syndrome type 3B. Last evaluated: 2024-01-27. Review status: criteria provided, single submitter. Criteria: Invitae Variant Classification Sherloc (09022015). Collection method: clinical testing. Allele origin: germline.
Comment: This sequence change replaces arginine, which is basic and polar, with leucine, which is neutral and non-polar, at codon 232 of the HARS protein (p.Arg232Leu). This variant is not present in population databases (gnomAD no frequency). This variant has not been reported in the literature in individuals affected with HARS-related conditions. ClinVar contains an entry for this variant (Variation ID: 1944126). Advanced modeling of protein sequence and biophysical properties (such as structural, functional, and spatial information, amino acid conservation, physicochemical variation, residue mobility, and thermodynamic stability) performed at Invitae indicates that this missense variant is not expected to disrupt HARS protein function with a negative predictive value of 80%. In summary, the available evidence is currently insufficient to determine the role of this variant in disease. Therefore, it has been classified as a Variant of Uncertain Significance.